The following is an entry in ClinVar:

NM_003742.4(ABCB11):c.184A>G (p.Met62Val)

Gene: ABCB11 (ATP binding cassette subfamily B member 11; minus strand). Cytogenetic location: 2q31.1.
Variant type: single nucleotide variant.
Coding change: c.184A>G on transcript NM_003742.4 (MANE Select); coding-DNA position 184, A replaced by G.
Protein change: p.Met62Val; replaces methionine 62 with valine.
Molecular consequence: missense variant.
Genome position (GRCh38, 1-based): chr2:169,013,477, T>C on the plus strand (A>G on the coding strand, the complement: ABCB11 is on the minus strand). VCF-style: chr2-169013477-T-C. GRCh37 (hg19) VCF-style: chr2-169869987-T-C.
Other names: short protein forms M62V.
Identifiers: ClinVar variation 4846106 (VCV004846106.1).

ClinVar aggregate classification (germline): Uncertain significance (1 of 4 stars; one submission).

Conditions:
Familial intrahepatic cholestasis. Identifiers: Orphanet 284385, MedGen CN296401, MONDO:0017290.

Submission:

Genomenon, Inc
Classification: Uncertain significance for Familial intrahepatic cholestasis. Last evaluated: 2026-04-14. Review status: criteria provided, single submitter. Criteria: Genomenon Sequence Variant Interpretation Standards - Updated. Collection method: curation. Allele origin: germline. Affected: yes.
Comment: ABCB11 p.Met62Val (c.184A>G) is a missense variant that changes the amino acid at residue 62 from Methionine to Valine. This variant has been observed in at least one individual with transient neonatal cholestasis (PMID:32808743). It is absent or not present at a significant frequency in gnomAD. In silico models predict that this variant is possibly or probably damaging. In conclusion, we classify ABCB11 p.Met62Val (c.184A>G) as a variant of uncertain significance.

Literature cited by the submitters: PubMed 32808743.